The following is an entry in ClinVar:

ClinVar aggregate classification (germline): Likely benign (1 of 4 stars; one submission).

Conditions:
USH2A-related disorder. Also called: USH2A-related disorders; USH2A-related condition. Identifiers: MedGen CN239332.

gnomAD v4.1: 77 of 1,613,980 alleles (0.0048%); highest among the groups gnomAD compares: Non-Finnish European, 0.0047%; no homozygotes.

Submission:

PreventionGenetics, part of Exact Sciences
Classification: Likely benign for USH2A-related condition. Last evaluated: 2026-03-23. Review status: criteria provided, single submitter. Criteria: ACMG Guidelines, 2015. Collection method: clinical testing. Allele origin: germline.
Comment: This variant is classified as likely benign based on ACMG/AMP sequence variant interpretation guidelines (Richards et al. 2015 PMID: 25741868, with internal and published modifications).

NM_206933.4(USH2A):c.6805+6T>C

Gene: USH2A (usherin; minus strand). Cytogenetic location: 1q41.
Variant type: single nucleotide variant.
Coding change: c.6805+6T>C on transcript NM_206933.4 (MANE Select); 6 bases into the intron after coding-DNA position 6805, T replaced by C.
Molecular consequence: intron variant.
Genome position (GRCh38, 1-based): chr1:215,993,014, A>G on the plus strand (T>C on the coding strand, the complement: USH2A is on the minus strand). VCF-style: chr1-215993014-A-G. GRCh37 (hg19) VCF-style: chr1-216166356-A-G.
Identifiers: ClinVar variation 4990515 (VCV004990515.1).